The following is an entry in ClinVar:

ClinVar aggregate classification (germline): Uncertain significance (1 of 4 stars; one submission).

Allele frequency attached by ClinVar (database versions not stated): gnomAD exomes 0.00001.
gnomAD v4.1: 3 of 1,607,590 alleles (0.00019%); highest among the groups gnomAD compares: Non-Finnish European, 0.00025%; no homozygotes.

Submission:

Labcorp Genetics (formerly Invitae), Labcorp
Classification: Uncertain significance. Last evaluated: 2022-02-17. Review status: criteria provided, single submitter. Criteria: Invitae Variant Classification Sherloc (09022015). Collection method: clinical testing. Allele origin: germline.
Comment: In summary, the available evidence is currently insufficient to determine the role of this variant in disease. Therefore, it has been classified as a Variant of Uncertain Significance. Algorithms developed to predict the effect of sequence changes on RNA splicing suggest that this variant may create or strengthen a splice site. This variant has not been reported in the literature in individuals affected with PCLO-related conditions. This variant is not present in population databases (gnomAD no frequency). This sequence change affects codon 641 of the PCLO mRNA. It is a 'silent' change, meaning that it does not change the encoded amino acid sequence of the PCLO protein.

NM_033026.6(PCLO):c.1923A>G (p.Gln641=)

Gene: PCLO (piccolo presynaptic cytomatrix protein; minus strand). Cytogenetic location: 7q21.11.
Variant type: single nucleotide variant.
Coding change: c.1923A>G on transcript NM_033026.6 (MANE Select); coding-DNA position 1923, A replaced by G.
Protein change: p.Gln641=; no amino-acid change (glutamine 641 retained).
Molecular consequence: synonymous variant.
Genome position (GRCh38, 1-based): chr7:83,135,627, T>C on the plus strand (A>G on the coding strand, the complement: PCLO is on the minus strand). VCF-style: chr7-83135627-T-C. GRCh37 (hg19) VCF-style: chr7-82764943-T-C.
Other names: c.1923A>G, p.Gln641= (NM_014510.3).
Identifiers: ClinVar variation 1473060 (VCV001473060.4), dbSNP rs1254926571, ClinGen allele CA456342872.